The following is an entry in ClinVar:

NM_001130438.3(SPTAN1):c.600T>C (p.Ala200=)

Gene: SPTAN1 (spectrin alpha, non-erythrocytic 1; plus strand). Cytogenetic location: 9q34.11.
Variant type: single nucleotide variant.
Coding change: c.600T>C on transcript NM_001130438.3 (MANE Select); coding-DNA position 600, T replaced by C.
Protein change: p.Ala200=; no amino-acid change (alanine 200 retained).
Molecular consequence: synonymous variant.
Genome position (GRCh38, 1-based): chr9:128,575,294, T>C. VCF-style: chr9-128575294-T-C. GRCh37 (hg19) VCF-style: chr9-131337573-T-C.
Other names: c.600T>C, p.Ala200= (NM_001195532.2, NM_001363759.2, NM_001363765.2 and 5 more transcripts); c.636T>C, p.Ala212= (NM_001375312.2, NM_001375318.1).
Identifiers: ClinVar variation 3050539 (VCV003050539.2), dbSNP rs2541021456, ClinGen allele CA467296569.

ClinVar aggregate classification (germline): Likely benign (0 of 4 stars; one submission).

Conditions:
SPTAN1-related disorder. Also called: SPTAN1-related condition; SPTAN1-related disorders.

Submission:

PreventionGenetics, part of Exact Sciences
Classification: Likely benign for SPTAN1-related condition. Last evaluated: 2023-08-29. Review status: no assertion criteria provided. Collection method: clinical testing. Allele origin: germline.
Comment: This variant is classified as likely benign based on ACMG/AMP sequence variant interpretation guidelines (Richards et al. 2015 PMID: 25741868, with internal and published modifications).